The following is an entry in ClinVar:

ClinVar aggregate classification (germline): Uncertain significance (1 of 4 stars; one submission).

Conditions:
MYH2-related disorder. Also called: MYH2-related condition.

Submission:

PreventionGenetics, part of Exact Sciences
Classification: Uncertain significance for MYH2-related condition. Last evaluated: 2025-05-05. Review status: criteria provided, single submitter. Criteria: ACMG Guidelines, 2015. Collection method: clinical testing. Allele origin: germline.
Comment: The MYH2 c.1063C>G variant is predicted to result in the amino acid substitution p.Leu355Val. To our knowledge, this variant has not been reported in the literature or in a large population database (gnomAD), indicating this variant is rare. At this time, the clinical significance of this variant is uncertain due to the absence of conclusive functional and genetic evidence.

NM_017534.6(MYH2):c.1063C>G (p.Leu355Val)

Genes: MYH2 (myosin heavy chain 2; minus strand), MYHAS (myosin heavy chain gene cluster antisense RNA; plus strand). Cytogenetic location: 17p13.1.
Variant type: single nucleotide variant.
Coding change: c.1063C>G on transcript NM_017534.6 (MANE Select); coding-DNA position 1063, C replaced by G.
Protein change: p.Leu355Val; replaces leucine 355 with valine.
Molecular consequence: missense variant.
Genome position (GRCh38, 1-based): chr17:10,540,012, G>C on the plus strand (C>G on the coding strand, the complement: MYH2 is on the minus strand). VCF-style: chr17-10540012-G-C. GRCh37 (hg19) VCF-style: chr17-10443329-G-C.
Other names: c.1063C>G, p.Leu355Val (NM_001100112.2); short protein forms L355V.
Identifiers: ClinVar variation 5002287 (VCV005002287.1).